The following is an entry in ClinVar:

NM_000059.4(BRCA2):c.1831T>G (p.Ser611Ala)

Gene: BRCA2 (BRCA2 DNA repair associated; plus strand). Cytogenetic location: 13q13.1.
Variant type: single nucleotide variant.
Coding change: c.1831T>G on transcript NM_000059.4 (MANE Select); coding-DNA position 1831, T replaced by G.
Protein change: p.Ser611Ala; replaces serine 611 with alanine.
Molecular consequence: missense variant.
Genome position (GRCh38, 1-based): chr13:32,333,309, T>G. VCF-style: chr13-32333309-T-G. GRCh37 (hg19) VCF-style: chr13-32907446-T-G.
Other names: short protein forms S611A.
Identifiers: ClinVar variation 409492 (VCV000409492.13), dbSNP rs1060502431, ClinGen allele CA16613843.
Genomic context (GRCh38, chr13:32,333,309, plus strand): 5'-ATTTATGCTATACATGATGAAACATCTTATAAAGGAAAAAAAATACCGAAAGACCAAAAA[T>G]CAGAACTAATTAACTGTTCAGCCCAGTTTGAAGCAAATGCTTTTGAAGCACCACTTACAT-3'
Protein context (NP_000050.3, residues 601-621): KGKKIPKDQK[Ser611Ala]ELINCSAQFE

ClinVar aggregate classification (germline): Conflicting classifications of pathogenicity. Review status: criteria provided, conflicting classifications (1 of 4 stars). 2 submissions from 2 submitters: Uncertain significance (1); Likely benign (1). Last evaluated 2023-03-23.

Conditions:
Hereditary cancer-predisposing syndrome. Also called: Tumor predisposition; Hereditary Cancer Syndrome; Hereditary neoplastic syndrome; Neoplastic Syndromes, Hereditary. Identifiers: Orphanet 140162, MedGen C0027672, MeSH D009386, MONDO:0015356.
Hereditary breast ovarian cancer syndrome. Also called: Hereditary breast and ovarian cancer; Hereditary breast and/or ovarian cancer syndrome; BRCA1- and BRCA2-Associated Hereditary Breast and Ovarian Cancer; Hereditary breast and ovarian cancer syndrome; Hereditary breast and ovarian cancer syndrome (HBOC); Breast and ovarian cancer. Identifiers: Orphanet 145, MedGen C0677776, MeSH D061325, MONDO:0003582. Disease mechanism: loss of function.

Submissions (2):

University of Washington Department of Laboratory Medicine, University of Washington
Classification: Likely benign for Hereditary cancer-predisposing syndrome. Last evaluated: 2023-03-23. Review status: criteria provided, single submitter. Criteria: Dines et al. (Genet Med. 2020). Collection method: curation. Allele origin: germline.
Comment: Missense variant in a coldspot region where missense variants are very unlikely to be pathogenic (PMID:31911673).

BRCA2 exon 10 coldspot. Reclassification based on statistical prior probability.

Labcorp Genetics (formerly Invitae), Labcorp
Classification: Uncertain significance for Hereditary breast ovarian cancer syndrome. Last evaluated: 2016-08-03. Review status: criteria provided, single submitter. Criteria: Invitae Variant Classification Sherloc (09022015). Collection method: clinical testing. Allele origin: germline.
Comment: This sequence change replaces serine with alanine at codon 611 of the BRCA2 protein (p.Ser611Ala). The serine residue is moderately conserved and there is a moderate physicochemical difference between serine and alanine. In summary, this variant is a novel missense change that is not predicted to affect protein function. There is no indication that it causes disease, but the available evidence is currently insufficient to prove that conclusively. Therefore, it has been classified as a Variant of Uncertain Significance. This variant is not present in population databases (ExAC no frequency) and has not been reported in the literature in individuals with a BRCA2-related disease. Algorithms developed to predict the effect of missense changes on protein structure and function (SIFT, PolyPhen-2, Align-GVGD) all suggest that this variant is likely to be tolerated, but these predictions have not been confirmed by published functional studies.